The following is an entry in ClinVar:

NM_000059.4(BRCA2):c.632-9A>G

Gene: BRCA2 (BRCA2 DNA repair associated; plus strand). Cytogenetic location: 13q13.1.
Variant type: single nucleotide variant.
Coding change: c.632-9A>G on transcript NM_000059.4 (MANE Select); 9 bases into the intron before coding-DNA position 632, A replaced by G.
Molecular consequence: intron variant.
Genome position (GRCh38, 1-based): chr13:32,329,434, A>G. VCF-style: chr13-32329434-A-G. GRCh37 (hg19) VCF-style: chr13-32903571-A-G.
Other names: IVS7-9A>G.
Identifiers: ClinVar variation 52065 (VCV000052065.15), dbSNP rs81002855, ClinGen allele CA023919.

ClinVar aggregate classification (germline): Likely benign. Review status: criteria provided, multiple submitters, no conflicts (2 of 4 stars). 7 submissions from 7 submitters: Likely benign (5). 2 of the submissions do not count toward it. Last evaluated 2025-11-11.

Conditions:
Hereditary cancer-predisposing syndrome. Also called: Tumor predisposition; Neoplastic Syndromes, Hereditary; Hereditary neoplastic syndrome; Hereditary Cancer Syndrome. Identifiers: Orphanet 140162, MedGen C0027672, MeSH D009386, MONDO:0015356.
Hereditary breast ovarian cancer syndrome. Also called: Hereditary breast and ovarian cancer; BRCA1- and BRCA2-Associated Hereditary Breast and Ovarian Cancer; Hereditary breast and/or ovarian cancer syndrome; Hereditary breast and ovarian cancer syndrome; Breast and ovarian cancer; Hereditary breast and ovarian cancer syndrome (HBOC). Identifiers: Orphanet 145, MedGen C0677776, MeSH D061325, MONDO:0003582. Disease mechanism: loss of function.
Breast-ovarian cancer, familial, susceptibility to, 2 (BROVCA2). Also called: BRCA2 Hereditary Breast and Ovarian Cancer. Identifiers: Orphanet 145, MedGen C2675520, MONDO:0012933, OMIM 612555. Disease mechanism: loss of function.

gnomAD v4.1: 4 of 1,585,960 alleles (0.00025%); highest among the groups gnomAD compares: Middle Eastern, 0.017%; no homozygotes.

Submissions (7):

Labcorp Genetics (formerly Invitae), Labcorp
Classification: Likely benign for Hereditary breast ovarian cancer syndrome. Last evaluated: 2025-11-11. Review status: criteria provided, single submitter. Criteria: Invitae Variant Classification Sherloc (09022015). Collection method: clinical testing. Allele origin: germline.

Blueprint Genetics
Classification: Likely benign. Last evaluated: 2024-08-15. Review status: criteria provided, single submitter. Criteria: ACMG Guidelines, 2015. Collection method: clinical testing. Allele origin: germline.

Women's Health and Genetics/Laboratory Corporation of America, LabCorp
Classification: Likely benign. Last evaluated: 2020-05-14. Review status: criteria provided, single submitter. Criteria: LabCorp Variant Classification Summary - May 2015. Collection method: clinical testing. Allele origin: germline.
Comment: Variant summary: BRCA2 c.632-9A>G alters a nucleotide located close to a canonical splice site and therefore could affect mRNA splicing, leading to a significantly altered protein sequence. Several computational tools predict a significant impact on normal splicing: Four predict the variant no significant impact on splicing. These predictions have been confirmed with testing of patient RNA which showed no impact on splicing (Houdayer_2012). The variant was absent in 241636 control chromosomes. The available data on variant occurrences in the general population are insufficient to allow any conclusion about variant significance. c.632-9A>G has been reported in the literature in an individual affected with Hereditary Breast And Ovarian Cancer Syndrome without strong evidence for causality (Jalkh_2012). This report does not provide unequivocal conclusions about association of the variant with Hereditary Breast And Ovarian Cancer Syndrome. Two clinical diagnostic laboratories have submitted clinical-significance assessments for this variant to ClinVar after 2014 without evidence for independent evaluation. All laboratories classified the variant as likely benign. Based on the evidence outlined above, the variant was classified as likely benign.

GeneDx
Classification: Likely benign. Last evaluated: 2017-10-09. Review status: criteria provided, single submitter. Criteria: GeneDx Variant Classification (06012015). Collection method: clinical testing. Allele origin: germline. Affected: yes.
Comment: This variant is considered likely benign or benign based on one or more of the following criteria: it is a conservative change, it occurs at a poorly conserved position in the protein, it is predicted to be benign by multiple in silico algorithms, and/or has population frequency not consistent with disease.

Color Diagnostics, LLC DBA Color Health
Classification: Likely benign for Hereditary cancer-predisposing syndrome. Last evaluated: 2017-02-15. Review status: criteria provided, single submitter. Criteria: ACMG Guidelines, 2015. Collection method: clinical testing. Allele origin: germline.

Sharing Clinical Reports Project (SCRP)
Classification: Uncertain significance for Breast-ovarian cancer, familial 2. Last evaluated: 2011-03-21. Review status: no assertion criteria provided. Collection method: clinical testing. Allele origin: germline. Not counted in ClinVar's aggregate classification.

Breast Cancer Information Core (BIC) (BRCA2)
Classification: Uncertain significance for Breast-ovarian cancer, familial 2. Last evaluated: 2003-12-23. Review status: no assertion criteria provided. Collection method: clinical testing. Allele origin: germline. Affected: yes. Observed: 1 variant allele. Not counted in ClinVar's aggregate classification.

Literature cited by the submitters: PubMed 22713736 (cited by Women's Health and Genetics/Laboratory Corporation of America, LabCorp); PubMed 22505045 (cited by Women's Health and Genetics/Laboratory Corporation of America, LabCorp); PubMed 29750258 (cited by Women's Health and Genetics/Laboratory Corporation of America, LabCorp).